The following is an entry in ClinVar:

ClinVar aggregate classification (germline): Uncertain significance (1 of 4 stars; one submission).

Conditions:
Peutz-Jeghers syndrome (PJS). Also called: POLYPOSIS, HAMARTOMATOUS INTESTINAL; POLYPS-AND-SPOTS SYNDROME; Peutz-Jeghers polyposis; Periorificial lentiginosis syndrome. Identifiers: Orphanet 2869, MedGen C0031269, MeSH D010580, MONDO:0008280, OMIM 175200.

Submission:

Labcorp Genetics (formerly Invitae), Labcorp
Classification: Uncertain significance for Peutz-Jeghers syndrome. Last evaluated: 2024-09-03. Review status: criteria provided, single submitter. Criteria: Invitae Variant Classification Sherloc (09022015). Collection method: clinical testing. Allele origin: germline.
Comment: This sequence change replaces lysine, which is basic and polar, with glutamic acid, which is acidic and polar, at codon 403 of the STK11 protein (p.Lys403Glu). This variant is not present in population databases (gnomAD no frequency). This variant has not been reported in the literature in individuals affected with STK11-related conditions. Invitae Evidence Modeling of protein sequence and biophysical properties (such as structural, functional, and spatial information, amino acid conservation, physicochemical variation, residue mobility, and thermodynamic stability) indicates that this missense variant is not expected to disrupt STK11 protein function with a negative predictive value of 95%. In summary, the available evidence is currently insufficient to determine the role of this variant in disease. Therefore, it has been classified as a Variant of Uncertain Significance.

NM_000455.5(STK11):c.1207A>G (p.Lys403Glu)

Gene: STK11 (serine/threonine kinase 11; plus strand). Cytogenetic location: 19p13.3.
Variant type: single nucleotide variant.
Coding change: c.1207A>G on transcript NM_000455.5 (MANE Select); coding-DNA position 1207, A replaced by G.
Protein change: p.Lys403Glu; replaces lysine 403 with glutamic acid.
Molecular consequence: missense variant. On other transcripts: non-coding transcript variant (1).
Genome position (GRCh38, 1-based): chr19:1,226,552, A>G. VCF-style: chr19-1226552-A-G. GRCh37 (hg19) VCF-style: chr19-1226551-A-G.
Other names: short protein forms K403E.
Identifiers: ClinVar variation 3636790 (VCV003636790.2).
Genomic context (GRCh38, chr19:1,226,552, plus strand): 5'-CGCCGGGGCCTCCCCAAGGCCGTGTGTATGAACGGCACAGAGGCGGCGCAGCTGAGCACC[A>G]AATCCAGGGCGGAGGGCCGGGCCCCCAACCCTGCCCGCAAGGCCTGCTCCGCCAGCAGCA-3'
Protein context (NP_000446.1, residues 393-413): NGTEAAQLST[Lys403Glu]SRAEGRAPNP